The following is an entry in ClinVar:

ClinVar aggregate classification (germline): Conflicting classifications of pathogenicity. Review status: criteria provided, conflicting classifications (1 of 4 stars). 5 submissions from 5 submitters: Uncertain significance (3); Benign (1); Likely benign (1). Last evaluated 2025-08-26.

Conditions:
TOPORS-related disorder. Also called: TOPORS-related condition.
Inborn genetic diseases. Identifiers: MedGen C0950123, MeSH D030342.

Allele frequency attached by ClinVar (database versions not stated): 1000 Genomes Project 30x 0.00062; gnomAD exomes 0.00002 and 0.00004; ExAC 0.00008; TOPMed 0.00014; gnomAD 0.00019 and 0.00020; ESP Exome Variant Server 0.00038; 1000 Genomes Project 0.00060.

Submissions (5):

Ambry Genetics
Classification: Uncertain significance for Inborn genetic diseases. Last evaluated: 2025-08-26. Review status: criteria provided, single submitter. Criteria: Ambry Variant Classification Scheme 2023. Collection method: clinical testing. Allele origin: germline.

Labcorp Genetics (formerly Invitae), Labcorp
Classification: Uncertain significance. Last evaluated: 2025-07-30. Review status: criteria provided, single submitter. Criteria: Invitae Variant Classification Sherloc (09022015). Collection method: clinical testing. Allele origin: germline.
Comment: This sequence change replaces serine, which is neutral and polar, with proline, which is neutral and non-polar, at codon 682 of the TOPORS protein (p.Ser682Pro). This variant is present in population databases (rs74759910, gnomAD 0.06%), and has an allele count higher than expected for a pathogenic variant. This variant has not been reported in the literature in individuals affected with TOPORS-related conditions. ClinVar contains an entry for this variant (Variation ID: 196420). Experimental studies and prediction algorithms are not available or were not evaluated, and the functional significance of this variant is currently unknown. In summary, the available evidence is currently insufficient to determine the role of this variant in disease. Therefore, it has been classified as a Variant of Uncertain Significance.

PreventionGenetics, part of Exact Sciences
Classification: Likely benign for TOPORS-related condition. Last evaluated: 2025-03-18. Review status: criteria provided, single submitter. Criteria: ACMG Guidelines, 2015. Collection method: clinical testing. Allele origin: germline.
Comment: This variant is classified as likely benign based on ACMG/AMP sequence variant interpretation guidelines (Richards et al. 2015 PMID: 25741868, with internal and published modifications).

Blueprint Genetics
Classification: Benign. Last evaluated: 2023-09-15. Review status: criteria provided, single submitter. Criteria: ACMG Guidelines, 2015. Collection method: clinical testing. Allele origin: germline.

Eurofins Ntd Llc (ga)
Classification: Uncertain significance. Last evaluated: 2014-05-07. Review status: criteria provided, single submitter. Criteria: EGL Classification Definitions 2015. Collection method: clinical testing. Allele origin: germline. Observed: 1 variant allele, 1 heterozygote.

NM_005802.5(TOPORS):c.2044T>C (p.Ser682Pro)

Gene: TOPORS (TOP1 binding arginine/serine rich protein, E3 ubiquitin ligase; minus strand). Cytogenetic location: 9p21.1.
Variant type: single nucleotide variant.
Coding change: c.2044T>C on transcript NM_005802.5 (MANE Select); coding-DNA position 2044, T replaced by C.
Protein change: p.Ser682Pro; replaces serine 682 with proline.
Molecular consequence: missense variant.
Genome position (GRCh38, 1-based): chr9:32,542,481, A>G on the plus strand (T>C on the coding strand, the complement: TOPORS is on the minus strand). VCF-style: chr9-32542481-A-G. GRCh37 (hg19) VCF-style: chr9-32542479-A-G.
Other names: c.1849T>C, p.Ser617Pro (NM_001195622.2); short protein forms S682P, S617P.
Identifiers: ClinVar variation 196420 (VCV000196420.15), dbSNP rs74759910, ClinGen allele CA243372.
Genomic context (GRCh38, chr9:32,542,481, plus strand): 5'-ATTTGTATCTGCTTCCATAATTATTTCTTAAATAATAACGATCTCTATTTCTGCTCCGTG[A>G]TCTTCTTTTACCATGATCACTGCTACGAGACCTTGATCTGCTTGTGCTTTCACTACTTAG-3'
Protein context (NP_005793.2, residues 672-692): SRSSDHGKRR[Ser682Pro]RSRNRDRYYL